The following is an entry in ClinVar:

ClinVar aggregate classification (germline): Uncertain significance. Review status: criteria provided, multiple submitters, no conflicts (2 of 4 stars). 2 submissions from 2 submitters: Uncertain significance (2). Last evaluated 2025-08-13.

Conditions:
Inborn genetic diseases. Identifiers: MedGen C0950123, MeSH D030342.

gnomAD v4.1: 4 of 1,613,594 alleles (0.00025%); highest among the groups gnomAD compares: South Asian, 0.0033%; no homozygotes.

Submissions (2):

GeneDx
Classification: Uncertain significance. Last evaluated: 2025-08-13. Review status: criteria provided, single submitter. Criteria: GeneDx Variant Classification Process June 2021. Collection method: clinical testing. Allele origin: germline. Affected: yes.
Comment: Not observed at significant frequency in large population cohorts (gnomAD); In silico analysis suggests that this missense variant does not alter protein structure/function; Has not been previously published as pathogenic or benign to our knowledge

Ambry Genetics
Classification: Uncertain significance for Inborn genetic diseases. Last evaluated: 2025-05-14. Review status: criteria provided, single submitter. Criteria: Ambry Variant Classification Scheme 2023. Collection method: clinical testing. Allele origin: germline.

NM_016239.4(MYO15A):c.8425G>A (p.Ala2809Thr)

Gene: MYO15A (myosin XVA; plus strand). Cytogenetic location: 17p11.2.
Variant type: single nucleotide variant.
Coding change: c.8425G>A on transcript NM_016239.4 (MANE Select); coding-DNA position 8425, G replaced by A.
Protein change: p.Ala2809Thr; replaces alanine 2809 with threonine.
Molecular consequence: missense variant.
Genome position (GRCh38, 1-based): chr17:18,155,398, G>A. VCF-style: chr17-18155398-G-A. GRCh37 (hg19) VCF-style: chr17-18058712-G-A.
Other names: short protein forms A2809T.
Identifiers: ClinVar variation 3915918 (VCV003915918.2).